The following is an entry in ClinVar:

NM_001184.4(ATR):c.1121A>G (p.Asn374Ser)

Gene: ATR (ATR checkpoint kinase; minus strand). Cytogenetic location: 3q23.
Variant type: single nucleotide variant.
Coding change: c.1121A>G on transcript NM_001184.4 (MANE Select); coding-DNA position 1121, A replaced by G.
Protein change: p.Asn374Ser; replaces asparagine 374 with serine.
Molecular consequence: missense variant.
Genome position (GRCh38, 1-based): chr3:142,562,281, T>C on the plus strand (A>G on the coding strand, the complement: ATR is on the minus strand). VCF-style: chr3-142562281-T-C. GRCh37 (hg19) VCF-style: chr3-142281123-T-C.
Other names: c.1121A>G, p.Asn374Ser (NM_001354579.2); short protein forms N374S.
Identifiers: ClinVar variation 1797858 (VCV001797858.3), dbSNP rs1242953145, ClinGen allele CA354823640.

ClinVar aggregate classification (germline): Uncertain significance (1 of 4 stars; one submission).

Conditions:
Inborn genetic diseases. Identifiers: MedGen C0950123, MeSH D030342.

Allele frequency attached by ClinVar (database versions not stated): gnomAD exomes below 0.00001.
gnomAD v4.1: 1 of 1,614,144 alleles (0.000062%); highest among the groups gnomAD compares: Non-Finnish European, 0.000085%; no homozygotes.

Submission:

Ambry Genetics
Classification: Uncertain significance for Inborn genetic diseases. Last evaluated: 2024-07-05. Review status: criteria provided, single submitter. Criteria: Ambry Variant Classification Scheme 2023. Collection method: clinical testing. Allele origin: germline.
Comment: The p.N374S variant (also known as c.1121A>G), located in coding exon 4 of the ATR gene, results from an A to G substitution at nucleotide position 1121. The asparagine at codon 374 is replaced by serine, an amino acid with highly similar properties. This amino acid position is conserved. In addition, this alteration is predicted to be tolerated by in silico analysis. Since supporting evidence is limited at this time, the clinical significance of this alteration remains unclear.